The following is an entry in ClinVar:

ClinVar aggregate classification (germline): Uncertain significance. Review status: criteria provided, multiple submitters, no conflicts (2 of 4 stars). 3 submissions from 3 submitters: Uncertain significance (3). Last evaluated 2024-07-16.

Conditions:
LZTR1-related schwannomatosis. Also called: Schwannomatosis-2, susceptibility to; Schwannomatosis 2. Identifiers: Orphanet 93921, MedGen C3810283, MONDO:0014299, OMIM 615670.
Hereditary cancer-predisposing syndrome. Also called: Hereditary Cancer Syndrome; Tumor predisposition; Hereditary neoplastic syndrome; Neoplastic Syndromes, Hereditary. Identifiers: Orphanet 140162, MedGen C0027672, MeSH D009386, MONDO:0015356.
Cardiovascular phenotype. Identifiers: MedGen CN230736.

Allele frequency attached by ClinVar (database versions not stated): TOPMed 0.00001.

Submissions (3):

Labcorp Genetics (formerly Invitae), Labcorp
Classification: Uncertain significance. Last evaluated: 2024-07-16. Review status: criteria provided, single submitter. Criteria: Invitae Variant Classification Sherloc (09022015). Collection method: clinical testing. Allele origin: germline.
Comment: This sequence change replaces arginine, which is basic and polar, with cysteine, which is neutral and slightly polar, at codon 68 of the LZTR1 protein (p.Arg68Cys). This variant is not present in population databases (gnomAD no frequency). This variant has not been reported in the literature in individuals affected with LZTR1-related conditions. ClinVar contains an entry for this variant (Variation ID: 1415999). An algorithm developed to predict the effect of missense changes on protein structure and function (PolyPhen-2) suggests that this variant is likely to be disruptive. In summary, the available evidence is currently insufficient to determine the role of this variant in disease. Therefore, it has been classified as a Variant of Uncertain Significance.

Baylor Genetics
Classification: Uncertain significance for LZTR1-related schwannomatosis. Last evaluated: 2024-02-19. Review status: criteria provided, single submitter. Criteria: ACMG Guidelines, 2015. Collection method: clinical testing. Allele origin: unknown.

Ambry Genetics
Classification: Uncertain significance for Cardiovascular phenotype; Hereditary cancer-predisposing syndrome. Last evaluated: 2022-03-28. Review status: criteria provided, single submitter. Criteria: Ambry Variant Classification Scheme 2023. Collection method: clinical testing. Allele origin: germline.
Comment: The p.R68C variant (also known as c.202C>T), located in coding exon 2 of the LZTR1 gene, results from a C to T substitution at nucleotide position 202. The arginine at codon 68 is replaced by cysteine, an amino acid with highly dissimilar properties. This amino acid position is highly conserved in available vertebrate species. In addition, this alteration is predicted to be deleterious by in silico analysis. Since supporting evidence is limited at this time, the clinical significance of this alteration remains unclear.

NM_006767.4(LZTR1):c.202C>T (p.Arg68Cys)

Gene: LZTR1 (leucine zipper like post translational regulator 1; plus strand). Cytogenetic location: 22q11.21.
Variant type: single nucleotide variant.
Coding change: c.202C>T on transcript NM_006767.4 (MANE Select); coding-DNA position 202, C replaced by T.
Protein change: p.Arg68Cys; replaces arginine 68 with cysteine.
Molecular consequence: missense variant.
Genome position (GRCh38, 1-based): chr22:20,983,028, C>T. VCF-style: chr22-20983028-C-T. GRCh37 (hg19) VCF-style: chr22-21337317-C-T.
Other names: short protein forms R68C.
Identifiers: ClinVar variation 1415999 (VCV001415999.9), dbSNP rs886041418, ClinGen allele CA322316655.
Genomic context (GRCh38, chr22:20,983,028, plus strand): 5'-TCCTTGGGTGCCCCCCAGGAGGGTCCTGTCCTTACCGCCCTCCACTCCTTTCTTTCCAGG[C>T]GCAGCAAGCACACAGTGGTGGCCTATAAAGATGCCATTTATGTATTTGGTGGAGACAATG-3'
Protein context (NP_006758.2, residues 58-78): PPCDEFVGAR[Arg68Cys]SKHTVVAYKD